The following is an entry in ClinVar:

ClinVar aggregate classification (germline): Likely benign. Review status: criteria provided, multiple submitters, no conflicts (2 of 4 stars). 4 submissions from 4 submitters: Likely benign (3). 1 of the submissions does not count toward it. Last evaluated 2024-11-21.

Conditions:
BBS7-related disorder. Also called: BBS7-related condition.
Bardet-Biedl syndrome (BBS). Identifiers: Orphanet 110, MedGen C0752166, MONDO:0015229.
Bardet-Biedl syndrome 7 (BBS7). Identifiers: Orphanet 110, MedGen C1859565, MONDO:0014435, OMIM 615984.

Allele frequency attached by ClinVar (database versions not stated): 1000 Genomes Project 30x 0.00016; 1000 Genomes Project 0.00020.
gnomAD v4.1: 14 of 1,613,164 alleles (0.00087%); highest among the groups gnomAD compares: Admixed American, 0.022%; no homozygotes.

Submissions (4):

Blueprint Genetics
Classification: Likely benign. Last evaluated: 2024-11-21. Review status: criteria provided, single submitter. Criteria: ACMG Guidelines, 2015. Collection method: clinical testing. Allele origin: germline.

Labcorp Genetics (formerly Invitae), Labcorp
Classification: Likely benign for Bardet-Biedl syndrome. Last evaluated: 2024-10-10. Review status: criteria provided, single submitter. Criteria: Invitae Variant Classification Sherloc (09022015). Collection method: clinical testing. Allele origin: germline.

Fulgent Genetics
Classification: Likely benign for Bardet-Biedl syndrome 7. Last evaluated: 2022-04-04. Review status: criteria provided, single submitter. Criteria: ACMG Guidelines, 2015. Collection method: clinical testing. Allele origin: unknown.

PreventionGenetics, part of Exact Sciences
Classification: Likely benign for BBS7-related condition. Last evaluated: 2020-10-26. Review status: no assertion criteria provided. Collection method: clinical testing. Allele origin: germline. Not counted in ClinVar's aggregate classification.
Comment: This variant is classified as likely benign based on ACMG/AMP sequence variant interpretation guidelines (Richards et al. 2015 PMID: 25741868, with internal and published modifications).

NM_176824.3(BBS7):c.1158A>T (p.Thr386=)

Gene: BBS7 (Bardet-Biedl syndrome 7; minus strand). Cytogenetic location: 4q27.
Variant type: single nucleotide variant.
Coding change: c.1158A>T on transcript NM_176824.3 (MANE Select); coding-DNA position 1158, A replaced by T.
Protein change: p.Thr386=; no amino-acid change (threonine 386 retained).
Molecular consequence: synonymous variant.
Genome position (GRCh38, 1-based): chr4:121,845,576, T>A on the plus strand (A>T on the coding strand, the complement: BBS7 is on the minus strand). VCF-style: chr4-121845576-T-A. GRCh37 (hg19) VCF-style: chr4-122766731-T-A.
Other names: c.1158A>T, p.Thr386= (NM_018190.4); c.1158A>T (NM_176824.2).
Identifiers: ClinVar variation 1146751 (VCV001146751.10), dbSNP rs146617227, ClinGen allele CA3064313.